The following is an entry in ClinVar:

NM_025132.4(WDR19):c.3262-8T>C

Gene: WDR19 (WD repeat domain 19; plus strand). Cytogenetic location: 4p14.
Variant type: single nucleotide variant.
Coding change: c.3262-8T>C on transcript NM_025132.4 (MANE Select); 8 bases into the intron before coding-DNA position 3262, T replaced by C.
Molecular consequence: intron variant.
Genome position (GRCh38, 1-based): chr4:39,267,987, T>C. VCF-style: chr4-39267987-T-C. GRCh37 (hg19) VCF-style: chr4-39269607-T-C.
Other names: c.2782-8T>C (NM_001317924.2).
Identifiers: ClinVar variation 2116159 (VCV002116159.4), dbSNP rs1734977512, ClinGen allele CA1452102691.

ClinVar aggregate classification (germline): Uncertain significance (1 of 4 stars; one submission).

Conditions:
Asphyxiating thoracic dystrophy 5 (SRTD5). Also called: SHORT-RIB THORACIC DYSPLASIA 5 WITH OR WITHOUT POLYDACTYLY; SHORT-RIB THORACIC DYSPLASIA 5 WITHOUT POLYDACTYLY. Identifiers: Orphanet 474, MedGen C3280598, MONDO:0013717, OMIM 614376.
Senior-Loken syndrome 8 (SLSN8). Identifiers: Orphanet 3156, MedGen C4225376, MONDO:0014579, OMIM 616307.

Allele frequency attached by ClinVar (database versions not stated): TOPMed below 0.00001.

Submission:

Labcorp Genetics (formerly Invitae), Labcorp
Classification: Uncertain significance for Senior-Loken syndrome 8; Asphyxiating thoracic dystrophy 5. Last evaluated: 2022-03-23. Review status: criteria provided, single submitter. Criteria: Invitae Variant Classification Sherloc (09022015). Collection method: clinical testing. Allele origin: germline.
Comment: In summary, the available evidence is currently insufficient to determine the role of this variant in disease. Therefore, it has been classified as a Variant of Uncertain Significance. Algorithms developed to predict the effect of sequence changes on RNA splicing suggest that this variant may create or strengthen a splice site. This variant has not been reported in the literature in individuals affected with WDR19-related conditions. This variant is not present in population databases (gnomAD no frequency). This sequence change falls in intron 29 of the WDR19 gene. It does not directly change the encoded amino acid sequence of the WDR19 protein.